The following is an entry in ClinVar:

NM_001166108.2(PALLD):c.1965-12753C>T

Gene: PALLD (palladin, cytoskeletal associated protein; plus strand). Cytogenetic location: 4q32.3.
Variant type: single nucleotide variant.
Coding change: c.1965-12753C>T on transcript NM_001166108.2 (MANE Select); 12753 bases into the intron before coding-DNA position 1965, C replaced by T.
Molecular consequence: intron variant. On other transcripts: missense variant (1).
Genome position (GRCh38, 1-based): chr4:168,878,169, C>T. VCF-style: chr4-168878169-C-T. GRCh37 (hg19) VCF-style: chr4-169799320-C-T.
Other names: c.278C>T, p.Pro93Leu (NM_001166110.2); c.1965-12753C>T (NM_016081.4); c.819-12753C>T (NM_001166109.2); c.-157-12753C>T (NM_001367570.1, NM_001367568.1, NM_001367567.1 and 1 more transcripts); short protein forms P93L.
Identifiers: ClinVar variation 3609589 (VCV003609589.2).

ClinVar aggregate classification (germline): Uncertain significance (1 of 4 stars; one submission).

Conditions:
Pancreatic adenocarcinoma. Identifiers: MedGen C0281361, MONDO:0006047, HP:0006725.

gnomAD v4.1: 3 of 1,499,308 alleles (0.0002%); highest among the groups gnomAD compares: African/African-American, 0.0014%; no homozygotes.

Submission:

Labcorp Genetics (formerly Invitae), Labcorp
Classification: Uncertain significance for Pancreatic adenocarcinoma. Last evaluated: 2024-12-24. Review status: criteria provided, single submitter. Criteria: Invitae Variant Classification Sherloc (09022015). Collection method: clinical testing. Allele origin: germline.
Comment: This sequence change replaces proline, which is neutral and non-polar, with leucine, which is neutral and non-polar, at codon 93 of the PALLD protein (p.Pro93Leu). This variant is not present in population databases (gnomAD no frequency). This variant has not been reported in the literature in individuals affected with PALLD-related conditions. An algorithm developed to predict the effect of missense changes on protein structure and function (PolyPhen-2) suggests that this variant is likely to be tolerated. In summary, the available evidence is currently insufficient to determine the role of this variant in disease. Therefore, it has been classified as a Variant of Uncertain Significance.